The following is an entry in ClinVar:

NM_080680.3(COL11A2):c.4903G>A (p.Val1635Ile)

Gene: COL11A2 (collagen type XI alpha 2 chain; minus strand). Cytogenetic location: 6p21.32.
Variant type: single nucleotide variant.
Coding change: c.4903G>A on transcript NM_080680.3 (MANE Select); coding-DNA position 4903, G replaced by A.
Protein change: p.Val1635Ile; replaces valine 1635 with isoleucine.
Molecular consequence: missense variant.
Genome position (GRCh38, 1-based): chr6:33,164,434, C>T on the plus strand (G>A on the coding strand, the complement: COL11A2 is on the minus strand). VCF-style: chr6-33164434-C-T. GRCh37 (hg19) VCF-style: chr6-33132211-C-T.
Other names: c.4723G>A, p.Val1575Ile (NM_001424108.1); c.4057G>A, p.Val1353Ile (NM_001424109.1); c.3877G>A, p.Val1293Ile (NM_001424110.1, NM_001424111.1); c.2857G>A, p.Val953Ile (NM_001424112.1); c.4582G>A, p.Val1528Ile (NM_080679.3); c.4645G>A, p.Val1549Ile (NM_080681.3); short protein forms V1575I, V1635I, V1293I, V1528I, V1549I, V953I, V1353I.
Identifiers: ClinVar variation 3717295 (VCV003717295.2).
Genomic context (GRCh38, chr6:33,164,434, plus strand): 5'-AGGGGTAGGAGACGTCCTGGTGGGCTGAGACGCTGAGCAGCCGCAGGAAGGTGAGCTGGA[C>T]CACACCCACTGGGGAGCCCTCTGAGTCCACGTAAGAGAACTGGAAGGAGAGAGAGGGCTG-3'
Protein context (NP_542411.2, residues 1625-1645): VDSEGSPVGV[Val1635Ile]QLTFLRLLSV

ClinVar aggregate classification (germline): Uncertain significance (1 of 4 stars; one submission).

Submission:

Labcorp Genetics (formerly Invitae), Labcorp
Classification: Uncertain significance. Last evaluated: 2024-03-05. Review status: criteria provided, single submitter. Criteria: Invitae Variant Classification Sherloc (09022015). Collection method: clinical testing. Allele origin: germline.
Comment: This sequence change replaces valine, which is neutral and non-polar, with isoleucine, which is neutral and non-polar, at codon 1635 of the COL11A2 protein (p.Val1635Ile). This variant is not present in population databases (gnomAD no frequency). This variant has not been reported in the literature in individuals affected with COL11A2-related conditions. Advanced modeling of protein sequence and biophysical properties (such as structural, functional, and spatial information, amino acid conservation, physicochemical variation, residue mobility, and thermodynamic stability) performed at Invitae indicates that this missense variant is not expected to disrupt COL11A2 protein function with a negative predictive value of 95%. In summary, the available evidence is currently insufficient to determine the role of this variant in disease. Therefore, it has been classified as a Variant of Uncertain Significance.